The following is an entry in ClinVar:

ClinVar aggregate classification (germline): Uncertain significance (1 of 4 stars; one submission).

Conditions:
Developmental and epileptic encephalopathy, 53. Also called: Epileptic encephalopathy, early infantile, 53. Identifiers: MedGen C4479313, MONDO:0033362, OMIM 617389.
Early-onset Parkinson disease 20. Also called: PARKINSON DISEASE 20, AUTOSOMAL RECESSIVE EARLY-ONSET. Identifiers: Orphanet 391411, MedGen C3809824, MONDO:0014233, OMIM 615530.

Submission:

Labcorp Genetics (formerly Invitae), Labcorp
Classification: Uncertain significance for Developmental and epileptic encephalopathy, 53; Early-onset Parkinson disease 20. Last evaluated: 2022-03-19. Review status: criteria provided, single submitter. Criteria: Invitae Variant Classification Sherloc (09022015). Collection method: clinical testing. Allele origin: germline.
Comment: In summary, the available evidence is currently insufficient to determine the role of this variant in disease. Therefore, it has been classified as a Variant of Uncertain Significance. Algorithms developed to predict the effect of missense changes on protein structure and function are either unavailable or do not agree on the potential impact of this missense change (SIFT: "Deleterious"; PolyPhen-2: "Benign"; Align-GVGD: "Class C0"). This variant has not been reported in the literature in individuals affected with SYNJ1-related conditions. This variant is not present in population databases (gnomAD no frequency). This sequence change replaces serine, which is neutral and polar, with threonine, which is neutral and polar, at codon 1553 of the SYNJ1 protein (p.Ser1553Thr).

NM_203446.3(SYNJ1):c.*628T>A

Gene: SYNJ1 (synaptojanin 1; minus strand). Cytogenetic location: 21q22.11.
Variant type: single nucleotide variant.
Coding change: c.*628T>A on transcript NM_203446.3 (MANE Select); 628 bases downstream of the stop codon, T replaced by A.
Molecular consequence: 3 prime UTR variant. On other transcripts: missense variant (2).
Genome position (GRCh38, 1-based): chr21:32,631,177, A>T on the plus strand (T>A on the coding strand, the complement: SYNJ1 is on the minus strand). VCF-style: chr21-32631177-A-T. GRCh37 (hg19) VCF-style: chr21-34003487-A-T.
Other names: c.*628T>A (NM_001160302.2); c.4399T>A, p.Ser1467Thr (NM_001160306.2); c.4657T>A, p.Ser1553Thr (NM_003895.4); short protein forms S1467T, S1553T.
Identifiers: ClinVar variation 1504698 (VCV001504698.6), dbSNP rs2145655637, ClinGen allele CA410081176.
Genomic context (GRCh38, chr21:32,631,177, plus strand): 5'-GCAACACACAGAAGGAGACATTTGTACCTTTATTCCAGTCATCATTCAATGTCAGGTTGG[A>T]GCCAGAAAATGAACTTGGCTGATTACCCAGTAAGTCTGAACAAGCTGACTTTGACTTCCC-3'